The following is an entry in ClinVar:

NM_000138.5(FBN1):c.6868G>C (p.Val2290Leu)

Gene: FBN1 (fibrillin 1; minus strand). Cytogenetic location: 15q21.1.
Variant type: single nucleotide variant.
Coding change: c.6868G>C on transcript NM_000138.5 (MANE Select); coding-DNA position 6868, G replaced by C.
Protein change: p.Val2290Leu; replaces valine 2290 with leucine.
Molecular consequence: missense variant.
Genome position (GRCh38, 1-based): chr15:48,430,674, C>G on the plus strand (G>C on the coding strand, the complement: FBN1 is on the minus strand). VCF-style: chr15-48430674-C-G. GRCh37 (hg19) VCF-style: chr15-48722871-C-G.
Other names: c.6868G>C, p.Val2290Leu (NM_001406716.1); short protein forms V2290L.
Identifiers: ClinVar variation 4883126 (VCV004883126.2).
Genomic context (GRCh38, chr15:48,430,674, plus strand): 5'-TTCTGTCCACTGTCACTTCTGATGCACTCAAAGCTCCTTCCACAGGGATCCTCTTACCTA[C>G]ACAGCCTTCTCCATCAGGTCTCCGCTGATACCCGGGTCCACAGATGCACATATATGTGCC-3'
Protein context (NP_000129.3, residues 2280-2300): YQRRPDGEGC[Val2290Leu]DENECQTKPG

ClinVar aggregate classification (germline): Uncertain significance (1 of 4 stars; one submission).

Submission:

Dasa
Classification: Uncertain significance. Last evaluated: 2024-10-15. Review status: criteria provided, single submitter. Criteria: DASA Assertion Criteria. Collection method: clinical testing. Allele origin: germline.
Comment: NM_000138.5(FBN1):c.6868G>C (p.Val2290Leu) is a missense variant that results in the substitution of valine with leucine. This variant is absent from population databases. The currently available literature and clinical evidence are not sufficient to establish a definitive association between this variant and the reported condition. Therefore, this variant is classified as a variant of uncertain significance.